The following is an entry in ClinVar:

ClinVar aggregate classification (germline): Conflicting classifications of pathogenicity. Review status: criteria provided, conflicting classifications (1 of 4 stars). 3 submissions from 3 submitters: Uncertain significance (2); Likely benign (1). Last evaluated 2023-05-22.

Conditions:
Cardiovascular phenotype. Identifiers: MedGen CN230736.
ANKRD1-related dilated cardiomyopathy. Identifiers: MedGen CN119551.

Submissions (3):

Labcorp Genetics (formerly Invitae), Labcorp
Classification: Uncertain significance for ANKRD1-related dilated cardiomyopathy. Last evaluated: 2023-05-22. Review status: criteria provided, single submitter. Criteria: Invitae Variant Classification Sherloc (09022015). Collection method: clinical testing. Allele origin: germline.
Comment: This variant has not been reported in the literature in individuals affected with ANKRD1-related conditions. This variant is not present in population databases (gnomAD no frequency). This sequence change falls in intron 5 of the ANKRD1 gene. It does not directly change the encoded amino acid sequence of the ANKRD1 protein. It affects a nucleotide within the consensus splice site. ClinVar contains an entry for this variant (Variation ID: 518177). Variants that disrupt the consensus splice site are a relatively common cause of aberrant splicing (PMID: 17576681, 9536098). Algorithms developed to predict the effect of sequence changes on RNA splicing suggest that this variant is not likely to affect RNA splicing. In summary, the available evidence is currently insufficient to determine the role of this variant in disease. Therefore, it has been classified as a Variant of Uncertain Significance.

Ambry Genetics
Classification: Uncertain significance for Cardiovascular phenotype. Last evaluated: 2021-10-29. Review status: criteria provided, single submitter. Criteria: Ambry Variant Classification Scheme 2023. Collection method: clinical testing. Allele origin: germline.
Comment: The c.553-3T>C intronic variant results from a T to C substitution 3 nucleotides upstream from coding exon 6 in the ANKRD1 gene. This nucleotide position is not well conserved in available vertebrate species. In silico splice site analysis predicts that this alteration will not have any significant effect on splicing. Since supporting evidence is limited at this time, the clinical significance of this alteration remains unclear.

GeneDx
Classification: Likely benign. Last evaluated: 2017-06-26. Review status: criteria provided, single submitter. Criteria: GeneDx Variant Classification (06012015). Collection method: clinical testing. Allele origin: germline. Affected: yes.
Comment: This variant is considered likely benign or benign based on one or more of the following criteria: it is a conservative change, it occurs at a poorly conserved position in the protein, it is predicted to be benign by multiple in silico algorithms, and/or has population frequency not consistent with disease.

Literature cited by the submitters: PubMed 17576681 (cited by Labcorp Genetics (formerly Invitae), Labcorp); PubMed 9536098 (cited by Labcorp Genetics (formerly Invitae), Labcorp).

NM_014391.3(ANKRD1):c.553-3T>C

Gene: ANKRD1 (ankyrin repeat domain 1; minus strand). Cytogenetic location: 10q23.31.
Variant type: single nucleotide variant.
Coding change: c.553-3T>C on transcript NM_014391.3 (MANE Select); 3 bases into the intron before coding-DNA position 553, T replaced by C.
Molecular consequence: intron variant.
Genome position (GRCh38, 1-based): chr10:90,916,272, A>G on the plus strand (T>C on the coding strand, the complement: ANKRD1 is on the minus strand). VCF-style: chr10-90916272-A-G. GRCh37 (hg19) VCF-style: chr10-92676029-A-G.
Identifiers: ClinVar variation 518177 (VCV000518177.7), dbSNP rs1554827672, ClinGen allele CA658797515.